The following is an entry in ClinVar:

ClinVar aggregate classification (germline): Benign/Likely benign. Review status: criteria provided, multiple submitters, no conflicts (2 of 4 stars). 3 submissions from 3 submitters: Benign (1); Likely benign (2). Last evaluated 2026-01-26.

Conditions:
Pheochromocytoma/paraganglioma syndrome 3. Also called: Paragangliomas 3; SDHC-Related Hereditary Paraganglioma-Pheochromocytoma Syndrome (Paragangliomas 3); SDHC-Related Hereditary Paraganglioma-Pheochromocytoma Syndrome; GLOMUS TUMORS, FAMILIAL, 3. Identifiers: Orphanet 29072, MedGen C1854336, MONDO:0011544, OMIM 605373.
Gastrointestinal stromal tumor. Also called: Gastrointestinal stroma tumor; Gastrointestinal stromal tumor, somatic. Identifiers: Orphanet 44890, MedGen C0238198, MeSH D046152, MONDO:0011719, OMIM 606764, HP:0100723.
Hereditary cancer-predisposing syndrome. Also called: Neoplastic Syndromes, Hereditary; Hereditary Cancer Syndrome; Hereditary neoplastic syndrome; Tumor predisposition. Identifiers: Orphanet 140162, MedGen C0027672, MeSH D009386, MONDO:0015356.

Allele frequency attached by ClinVar (database versions not stated): gnomAD exomes below 0.00001.
gnomAD v4.1: 1 of 1,614,024 alleles (0.000062%); highest among the groups gnomAD compares: Non-Finnish European, 0.000085%; no homozygotes.

Submissions (3):

Labcorp Genetics (formerly Invitae), Labcorp
Classification: Likely benign for Pheochromocytoma/paraganglioma syndrome 3; Gastrointestinal stromal tumor. Last evaluated: 2026-01-26. Review status: criteria provided, single submitter. Criteria: Invitae Variant Classification Sherloc (09022015). Collection method: clinical testing. Allele origin: germline.

Myriad Genetics, Inc.
Classification: Benign for Pheochromocytoma/paraganglioma syndrome 3. Last evaluated: 2025-03-14. Review status: criteria provided, single submitter. Criteria: Myriad Autosomal Dominant, Autosomal Recessive and X-Linked Classification Criteria (2023). Collection method: clinical testing. Allele origin: unknown.
Comment: This variant is considered benign. This variant is a silent/synonymous amino acid change and it is not expected to impact splicing.

Ambry Genetics
Classification: Likely benign for Hereditary cancer-predisposing syndrome. Last evaluated: 2023-11-06. Review status: criteria provided, single submitter. Criteria: Ambry Variant Classification Scheme 2023. Collection method: clinical testing. Allele origin: germline.

NM_003001.5(SDHC):c.279T>G (p.Pro93=)

Gene: SDHC (succinate dehydrogenase complex subunit C; plus strand). Cytogenetic location: 1q23.3.
Variant type: single nucleotide variant.
Coding change: c.279T>G on transcript NM_003001.5 (MANE Select); coding-DNA position 279, T replaced by G.
Protein change: p.Pro93=; no amino-acid change (proline 93 retained).
Molecular consequence: synonymous variant. On other transcripts: non-coding transcript variant (1), intron variant (3).
Genome position (GRCh38, 1-based): chr1:161,356,714, T>G. VCF-style: chr1-161356714-T-G. GRCh37 (hg19) VCF-style: chr1-161326504-T-G.
Other names: c.177T>G, p.Pro59= (NM_001035512.3); c.120T>G, p.Pro40= (NM_001035513.3); c.399T>G, p.Pro133= (NM_001407115.1); c.222T>G, p.Pro74= (NM_001407116.1); c.216T>G, p.Pro72= (NM_001407117.1); c.171T>G, p.Pro57= (NM_001407118.1); c.168T>G, p.Pro56= (NM_001407119.1, NM_001407120.1); c.242-5615T>G (NM_001035511.3); and 2 more.
Identifiers: ClinVar variation 1103274 (VCV001103274.10), dbSNP rs2102370578, ClinGen allele CA421501026.